The following is an entry in ClinVar:

ClinVar aggregate classification (germline): Likely benign (1 of 4 stars; one submission).

gnomAD v4.1: 70 of 1,611,114 alleles (0.0043%); highest among the groups gnomAD compares: African/African-American, 0.028%; no homozygotes.

Submission:

CeGaT Center for Human Genetics Tuebingen
Classification: Likely benign. Last evaluated: 2025-02-01. Review status: criteria provided, single submitter. Criteria: CeGaT Center For Human Genetics Tuebingen Variant Classification Criteria Version 2. Collection method: clinical testing. Allele origin: germline. Affected: yes. Observed: 1 variant allele.
Comment: ZNF292: BP4

NM_015021.3(ZNF292):c.4045C>T (p.Arg1349Trp)

Gene: ZNF292 (zinc finger protein 292; plus strand). Cytogenetic location: 6q14.3.
Variant type: single nucleotide variant.
Coding change: c.4045C>T on transcript NM_015021.3 (MANE Select); coding-DNA position 4045, C replaced by T.
Protein change: p.Arg1349Trp; replaces arginine 1349 with tryptophan.
Molecular consequence: missense variant.
Genome position (GRCh38, 1-based): chr6:87,257,674, C>T. VCF-style: chr6-87257674-C-T. GRCh37 (hg19) VCF-style: chr6-87967392-C-T.
Other names: c.3625C>T, p.Arg1209Trp (NM_001351444.2); short protein forms R1209W, R1349W.
Identifiers: ClinVar variation 3771394 (VCV003771394.13).